The following is an entry in ClinVar:

ClinVar aggregate classification (germline): Uncertain significance (1 of 4 stars; one submission).

Conditions:
CATSPER2-related condition.

gnomAD v4.1: 32 of 1,611,408 alleles (0.002%); highest among the groups gnomAD compares: Admixed American, 0.005%; 1 homozygote.

Submission:

PreventionGenetics, part of Exact Sciences
Classification: Uncertain significance for CATSPER2-related condition. Last evaluated: 2025-06-02. Review status: criteria provided, single submitter. Criteria: ACMG Guidelines, 2015. Collection method: clinical testing. Allele origin: germline.
Comment: The CATSPER2 c.1121+5G>A variant is predicted to interfere with splicing. This variant is predicted to alter splicing based on available splicing prediction software (SpliceAI, Jaganathan et al. 2019. PubMed ID: 30661751). However, the use of computer prediction softwares is not equivalent to functional evidence.To our knowledge, this variant has not been reported in the literature. This variant is reported in 0.0058% of alleles in individuals of Latino descent in gnomAD. At this time, the clinical significance of this variant is uncertain due to the absence of conclusive functional and genetic evidence.

NM_172095.4(CATSPER2):c.1121+5G>A

Gene: CATSPER2 (cation channel sperm associated 2; minus strand). Cytogenetic location: 15q15.3.
Variant type: single nucleotide variant.
Coding change: c.1121+5G>A on transcript NM_172095.4 (MANE Select); 5 bases into the intron after coding-DNA position 1121, G replaced by A.
Molecular consequence: intron variant.
Genome position (GRCh38, 1-based): chr15:43,635,722, C>T on the plus strand (G>A on the coding strand, the complement: CATSPER2 is on the minus strand). VCF-style: chr15-43635722-C-T. GRCh37 (hg19) VCF-style: chr15-43927920-C-T.
Other names: c.1121+5G>A (NM_001282309.3); c.1139+5G>A (NM_001282310.2).
Identifiers: ClinVar variation 4988824 (VCV004988824.1).
Genomic context (GRCh38, chr15:43,635,722, plus strand): 5'-AAACAAGAAATGAGCTCAGGAAACCCTTGAGAAGGAAAGTTGGGGTTGAAAAGGGAGAAG[C>T]AGACCTCTGGATGATCTGCCGCTTGAACATGTCAGCTTTGAGCTGAACCTCCCGACGCGC-3'